The following is an entry in ClinVar:

ClinVar aggregate classification (germline): Likely pathogenic. Review status: criteria provided, multiple submitters, no conflicts (2 of 4 stars). 2 submissions from 2 submitters: Likely pathogenic (2). Last evaluated 2024-03-25.

Conditions:
Hereditary insensitivity to pain with anhidrosis (CIPA). Also called: NEUROPATHY, CONGENITAL SENSORY, WITH ANHIDROSIS; FAMILIAL DYSAUTONOMIA, TYPE II; NTRK1 Congenital Insensitivity to Pain with Anhidrosis; INSENSITIVITY TO PAIN, CONGENITAL, WITH ANHIDROSIS; HSAN Type IV; hereditary sensory and autonomic neuropathy type 4. Identifiers: Orphanet 642, MedGen C0020074, MONDO:0009746, OMIM 256800.

Allele frequency attached by ClinVar (database versions not stated): gnomAD exomes below 0.00001.
gnomAD v4.1: 2 of 1,612,926 alleles (0.00012%); highest among the groups gnomAD compares: Non-Finnish European, 0.00017%; no homozygotes.

Submissions (2):

Fulgent Genetics
Classification: Likely pathogenic for Hereditary insensitivity to pain with anhidrosis. Last evaluated: 2024-03-25. Review status: criteria provided, single submitter. Criteria: ACMG Guidelines, 2015. Collection method: clinical testing. Allele origin: germline.

Labcorp Genetics (formerly Invitae), Labcorp
Classification: Likely pathogenic for Hereditary insensitivity to pain with anhidrosis. Last evaluated: 2024-01-12. Review status: criteria provided, single submitter. Criteria: Invitae Variant Classification Sherloc (09022015). Collection method: clinical testing. Allele origin: germline.
Comment: This sequence change affects an acceptor splice site in intron 14 of the NTRK1 gene. It is expected to disrupt RNA splicing. Variants that disrupt the donor or acceptor splice site typically lead to a loss of protein function (PMID: 16199547), and loss-of-function variants in NTRK1 are known to be pathogenic (PMID: 10982191). This variant is not present in population databases (gnomAD no frequency). This variant has not been reported in the literature in individuals affected with NTRK1-related conditions. Algorithms developed to predict the effect of sequence changes on RNA splicing suggest that this variant may disrupt the consensus splice site. In summary, the currently available evidence indicates that the variant is pathogenic, but additional data are needed to prove that conclusively. Therefore, this variant has been classified as Likely Pathogenic.

Literature cited by the submitters: PubMed 16199547 (cited by Labcorp Genetics (formerly Invitae), Labcorp); PubMed 10982191 (cited by Labcorp Genetics (formerly Invitae), Labcorp).

NM_002529.4(NTRK1):c.2047-1G>A

Gene: NTRK1 (neurotrophic receptor tyrosine kinase 1; plus strand). Cytogenetic location: 1q23.1.
Variant type: single nucleotide variant.
Coding change: c.2047-1G>A on transcript NM_002529.4 (MANE Select); the canonical splice acceptor site of the intron before coding-DNA position 2047, G replaced by A.
Molecular consequence: splice acceptor variant.
Genome position (GRCh38, 1-based): chr1:156,879,998, G>A. VCF-style: chr1-156879998-G-A. GRCh37 (hg19) VCF-style: chr1-156849790-G-A.
Other names: c.1939-1G>A (NM_001007792.1); c.2029-1G>A (NM_001012331.2).
Identifiers: ClinVar variation 2904060 (VCV002904060.4), dbSNP rs2102927015, ClinGen allele CA342940189.